The following is an entry in ClinVar:

NM_001195.5(BFSP1):c.1927G>A (p.Ala643Thr)

Gene: BFSP1 (beaded filament structural protein 1; minus strand). Cytogenetic location: 20p12.1.
Variant type: single nucleotide variant.
Coding change: c.1927G>A on transcript NM_001195.5 (MANE Select); coding-DNA position 1927, G replaced by A.
Protein change: p.Ala643Thr; replaces alanine 643 with threonine.
Molecular consequence: missense variant.
Genome position (GRCh38, 1-based): chr20:17,494,145, C>T on the plus strand (G>A on the coding strand, the complement: BFSP1 is on the minus strand). VCF-style: chr20-17494145-C-T. GRCh37 (hg19) VCF-style: chr20-17474790-C-T.
Other names: c.1927G>A (NM_001195.3); c.1552G>A, p.Ala518Thr (NM_001161705.2); c.1510G>A, p.Ala504Thr (NM_001278606.2, NM_001278608.2); c.1594G>A, p.Ala532Thr (NM_001278607.2); c.1819G>A, p.Ala607Thr (NM_001424338.1); short protein forms A532T, A607T, A504T, A518T, A643T.
Identifiers: ClinVar variation 2895983 (VCV002895983.4), dbSNP rs374265750, ClinGen allele CA312238481.

ClinVar aggregate classification (germline): Uncertain significance. Review status: criteria provided, multiple submitters, no conflicts (2 of 4 stars). 2 submissions from 2 submitters: Uncertain significance (2). Last evaluated 2024-03-19.

Conditions:
Cataract 33. Also called: CATARACT 33, CORTICAL. Identifiers: Orphanet 91492, MedGen C3808107, MONDO:0012665, OMIM 611391.
Inborn genetic diseases. Identifiers: MedGen C0950123, MeSH D030342.

Allele frequency attached by ClinVar (database versions not stated): gnomAD 0.00003; TOPMed 0.00004; ESP Exome Variant Server 0.00008.
gnomAD v4.1: 12 of 1,614,048 alleles (0.00074%); highest among the groups gnomAD compares: African/African-American, 0.0067%; no homozygotes.

Submissions (2):

Ambry Genetics
Classification: Uncertain significance for Inborn genetic diseases. Last evaluated: 2024-03-19. Review status: criteria provided, single submitter. Criteria: Ambry Variant Classification Scheme 2023. Collection method: clinical testing. Allele origin: germline.

Labcorp Genetics (formerly Invitae), Labcorp
Classification: Uncertain significance for Cataract 33. Last evaluated: 2023-12-09. Review status: criteria provided, single submitter. Criteria: Invitae Variant Classification Sherloc (09022015). Collection method: clinical testing. Allele origin: germline.
Comment: This sequence change replaces alanine, which is neutral and non-polar, with threonine, which is neutral and polar, at codon 643 of the BFSP1 protein (p.Ala643Thr). This variant is present in population databases (rs374265750, gnomAD 0.01%). This variant has not been reported in the literature in individuals affected with BFSP1-related conditions. Advanced modeling of protein sequence and biophysical properties (such as structural, functional, and spatial information, amino acid conservation, physicochemical variation, residue mobility, and thermodynamic stability) performed at Invitae indicates that this missense variant is not expected to disrupt BFSP1 protein function with a negative predictive value of 80%. In summary, the available evidence is currently insufficient to determine the role of this variant in disease. Therefore, it has been classified as a Variant of Uncertain Significance.